The following is an entry in ClinVar:

ClinVar aggregate classification (germline): Conflicting classifications of pathogenicity. Review status: criteria provided, conflicting classifications (1 of 4 stars). 2 submissions from 2 submitters: Uncertain significance (1); Likely benign (1). Last evaluated 2023-05-25.

Conditions:
Colorectal cancer, hereditary nonpolyposis, type 7. Identifiers: Orphanet 144, MedGen C1858380, MONDO:0013725, OMIM 614385.

Allele frequency attached by ClinVar (database versions not stated): gnomAD exomes below 0.00001.
gnomAD v4.1: 3 of 1,612,450 alleles (0.00019%); highest among the groups gnomAD compares: Non-Finnish European, 0.00025%; no homozygotes.

Submissions (2):

Ambry Genetics
Classification: Uncertain significance. Last evaluated: 2023-05-25. Review status: criteria provided, single submitter. Criteria: Ambry Variant Classification Scheme 2023. Collection method: clinical testing. Allele origin: germline.
Comment: The c.3644-5T>C intronic variant results from a T to C substitution 5 nucleotides upstream from coding exon 6 in the MLH3 gene. This nucleotide position is well conserved in available vertebrate species. In silico splice site analysis predicts that this alteration will not have any significant effect on splicing. The evidence for this gene-disease relationship is limited; therefore, the clinical significance of this alteration is unclear.

Labcorp Genetics (formerly Invitae), Labcorp
Classification: Likely benign for Colorectal cancer, hereditary nonpolyposis, type 7. Last evaluated: 2019-07-19. Review status: criteria provided, single submitter. Criteria: Invitae Variant Classification Sherloc (09022015). Collection method: clinical testing. Allele origin: germline.

NM_001040108.2(MLH3):c.3644-5T>C

Gene: MLH3 (mutL homolog 3; minus strand). Cytogenetic location: 14q24.3.
Variant type: single nucleotide variant.
Coding change: c.3644-5T>C on transcript NM_001040108.2 (MANE Select); 5 bases into the intron before coding-DNA position 3644, T replaced by C.
Molecular consequence: intron variant.
Genome position (GRCh38, 1-based): chr14:75,033,495, A>G on the plus strand (T>C on the coding strand, the complement: MLH3 is on the minus strand). VCF-style: chr14-75033495-A-G. GRCh37 (hg19) VCF-style: chr14-75500198-A-G.
Other names: c.3644-5T>C (NM_001040108.1); c.3644-1316T>C (NM_014381.3).
Identifiers: ClinVar variation 1142670 (VCV001142670.10), dbSNP rs2139413400, ClinGen allele CA2499222726.